The following is an entry in ClinVar:

ClinVar aggregate classification (germline): Conflicting classifications of pathogenicity. Review status: criteria provided, conflicting classifications (1 of 4 stars). 7 submissions from 7 submitters: Uncertain significance (4); Likely benign (2). 1 of the submissions does not count toward it. Last evaluated 2026-07-31.

Conditions:
Sinoatrial node dysfunction and deafness (SANDD). Identifiers: Orphanet 324321, MedGen C3554018, MONDO:0013960, OMIM 614896.
CACNA1D-related disorder.

Allele frequency attached by ClinVar (database versions not stated): TOPMed 0.00025; gnomAD 0.00033 and 0.00034; ESP Exome Variant Server 0.00038; 1000 Genomes Project 30x 0.00047; 1000 Genomes Project 0.00060.
gnomAD v4.1: 537 of 1,613,408 alleles (0.033%); highest among the groups gnomAD compares: Middle Eastern, 0.083%; no homozygotes.

Submissions (8):

PreventionGenetics, part of Exact Sciences
Classification: Uncertain significance for CACNA1D-related condition. Last evaluated: 2026-07-31. Review status: criteria provided, single submitter. Criteria: ACMG Guidelines, 2015. Collection method: clinical testing. Allele origin: germline.
Comment: The CACNA1D c.2310C>A variant is not predicted to result in an amino acid change (p.=). This variant was reported in an individual with ventricular fibrillation (Supplementary File 2, van Lint et al. 2019. PubMed ID: 30847666). This variant is reported in 0.062% of alleles in individuals of Latino descent in gnomAD. Although we suspect that this variant may be benign, at this time, the clinical significance of this variant is uncertain due to the absence of conclusive functional and genetic evidence.

Labcorp Genetics (formerly Invitae), Labcorp
Classification: Likely benign. Last evaluated: 2026-01-27. Review status: criteria provided, single submitter. Criteria: Invitae Variant Classification Sherloc (09022015). Collection method: clinical testing. Allele origin: germline.

GeneDx
Classification: Uncertain significance. Last evaluated: 2025-08-07. Review status: criteria provided, single submitter. Criteria: GeneDx Variant Classification Process June 2021. Collection method: clinical testing. Allele origin: germline. Affected: yes.
Comment: Reported without a second variant in a patient with bilateral sensorineural hearing loss who also harbored variants in other genes (PMID: 29907799); In silico analysis supports a deleterious effect on splicing; This variant is associated with the following publications: (PMID: 30847666, 29907799)

Blueprint Genetics
Classification: Likely benign. Last evaluated: 2024-09-05. Review status: criteria provided, single submitter. Criteria: ACMG Guidelines, 2015. Collection method: clinical testing. Allele origin: germline.

CeGaT Center for Human Genetics Tuebingen
Classification: Uncertain significance. Last evaluated: 2022-11-01. Review status: criteria provided, single submitter. Criteria: CeGaT Center For Human Genetics Tuebingen Variant Classification Criteria Version 2. Collection method: clinical testing. Allele origin: germline. Affected: yes. Observed: 1 variant allele.
Comment: CACNA1D: PP3

Laboratory for Molecular Medicine, Mass General Brigham Personalized Medicine
Classification: Uncertain significance. Last evaluated: 2017-08-10. Review status: criteria provided, single submitter. Criteria: LMM Criteria. Collection method: clinical testing. Allele origin: germline. Observed: 1 variant allele.
Comment: The p.Ile770Ile variant in CACNA1D has not been previously reported in individua ls with hearing loss or SANDD syndrome, but has been identified in 0.06% (20/344 20) of Latino chromosomes and 0.04% (53/126716) European chromosomes by the Geno me Aggregation Database (gnomAD; dbSNP rs41276 445). Although this variant has been seen in the general population, its frequen cy is not high enough to rule out a pathogenic role. Computational tools suggest that this variant may create a new 3' splicing site, though this information is not predictive enough to determine pathogenicity. In summary, the clinical sign ificance of the p.Ile770Ile variant is uncertain.

Division of Human Genetics, Children's Hospital of Philadelphia
Classification: Uncertain significance for Sinoatrial node dysfunction and deafness. Last evaluated: 2015-10-30. Review status: no assertion criteria provided. Collection method: research. Allele origin: germline. Affected: yes. Study: CSER-PediSeq. Not counted in ClinVar's aggregate classification.

Dr. Peter K. Rogan Lab, Western University
No classification provided (evidence only). Condition: Thyroid cancer, nonmedullary, 1. Review status: no classification provided. Collection method: in vitro. Allele origin: not applicable. Functional consequence: retained intron. Not counted in ClinVar's aggregate classification.

NM_001128840.3(CACNA1D):c.2250C>A (p.Ile750=)

Gene: CACNA1D (calcium voltage-gated channel subunit alpha1 D; plus strand). Cytogenetic location: 3p21.1.
Variant type: single nucleotide variant.
Coding change: c.2250C>A on transcript NM_001128840.3 (MANE Select); coding-DNA position 2250, C replaced by A.
Protein change: p.Ile750=; no amino-acid change (isoleucine 750 retained).
Molecular consequence: synonymous variant.
Genome position (GRCh38, 1-based): chr3:53,730,470, C>A. VCF-style: chr3-53730470-C-A. GRCh37 (hg19) VCF-style: chr3-53764497-C-A.
Other names: c.2310C>A, p.Ile770= (NM_000720.4); c.2250C>A, p.Ile750= (NM_001128839.3).
Identifiers: ClinVar variation 417905 (VCV000417905.52), dbSNP rs41276445, ClinGen allele CA2454184.